The following is an entry in ClinVar:

NM_019109.5(ALG1):c.770G>A (p.Arg257Gln)

Gene: ALG1 (ALG1 chitobiosyldiphosphodolichol beta-mannosyltransferase; plus strand). Cytogenetic location: 16p13.3.
Variant type: single nucleotide variant.
Coding change: c.770G>A on transcript NM_019109.5 (MANE Select); coding-DNA position 770, G replaced by A.
Protein change: p.Arg257Gln; replaces arginine 257 with glutamine.
Molecular consequence: missense variant.
Genome position (GRCh38, 1-based): chr16:5,078,786, G>A. VCF-style: chr16-5078786-G-A. GRCh37 (hg19) VCF-style: chr16-5128787-G-A.
Other names: c.437G>A, p.Arg146Gln (NM_001330504.2); c.770G>A (NM_019109.4); short protein forms R257Q, R146Q.
Identifiers: ClinVar variation 1449859 (VCV001449859.6), dbSNP rs763925138, ClinGen allele CA7890011.

ClinVar aggregate classification (germline): Uncertain significance. Review status: criteria provided, multiple submitters, no conflicts (2 of 4 stars). 3 submissions from 3 submitters: Uncertain significance (3). Last evaluated 2024-02-14.

Conditions:
Inborn genetic diseases. Identifiers: MedGen C0950123, MeSH D030342.
ALG1-congenital disorder of glycosylation. Also called: CONGENITAL DISORDER OF GLYCOSYLATION, TYPE Ik; CDG Ik; ALG1-CDG. Identifiers: Orphanet 79327, MedGen C2931005, MONDO:0012052, OMIM 608540.

Allele frequency attached by ClinVar (database versions not stated): ExAC 0.00003; gnomAD exomes 0.00003; gnomAD 0.00005 and 0.00006; TOPMed 0.00010.
gnomAD v4.1: 53 of 1,612,750 alleles (0.0033%); highest among the groups gnomAD compares: Admixed American, 0.023%; no homozygotes.

Submissions (3):

Fulgent Genetics
Classification: Uncertain significance for ALG1-congenital disorder of glycosylation. Last evaluated: 2024-02-14. Review status: criteria provided, single submitter. Criteria: ACMG Guidelines, 2015. Collection method: clinical testing. Allele origin: germline.

Labcorp Genetics (formerly Invitae), Labcorp
Classification: Uncertain significance for ALG1-congenital disorder of glycosylation. Last evaluated: 2022-10-13. Review status: criteria provided, single submitter. Criteria: Invitae Variant Classification Sherloc (09022015). Collection method: clinical testing. Allele origin: germline.
Comment: This sequence change replaces arginine, which is basic and polar, with glutamine, which is neutral and polar, at codon 257 of the ALG1 protein (p.Arg257Gln). This variant is present in population databases (rs763925138, gnomAD 0.01%). This variant has not been reported in the literature in individuals affected with ALG1-related conditions. ClinVar contains an entry for this variant (Variation ID: 1449859). Advanced modeling of protein sequence and biophysical properties (such as structural, functional, and spatial information, amino acid conservation, physicochemical variation, residue mobility, and thermodynamic stability) performed at Invitae indicates that this missense variant is not expected to disrupt ALG1 protein function. In summary, the available evidence is currently insufficient to determine the role of this variant in disease. Therefore, it has been classified as a Variant of Uncertain Significance.

Ambry Genetics
Classification: Uncertain significance for Inborn genetic diseases. Last evaluated: 2021-07-09. Review status: criteria provided, single submitter. Criteria: Ambry Variant Classification Scheme 2023. Collection method: clinical testing. Allele origin: germline.